The following is an entry in ClinVar:

ClinVar aggregate classification (germline): Uncertain significance (1 of 4 stars; one submission).

Allele frequency attached by ClinVar (database versions not stated): ExAC 0.00001; gnomAD 0.00001; 1000 Genomes Project 30x 0.00016; 1000 Genomes Project 0.00020; gnomAD exomes below 0.00001.
gnomAD v4.1: 3 of 1,614,002 alleles (0.00019%); highest among the groups gnomAD compares: Admixed American, 0.0017%; no homozygotes.

Submission:

Labcorp Genetics (formerly Invitae), Labcorp
Classification: Uncertain significance. Last evaluated: 2022-04-29. Review status: criteria provided, single submitter. Criteria: Invitae Variant Classification Sherloc (09022015). Collection method: clinical testing. Allele origin: germline.
Comment: In summary, the available evidence is currently insufficient to determine the role of this variant in disease. Therefore, it has been classified as a Variant of Uncertain Significance. Algorithms developed to predict the effect of missense changes on protein structure and function are either unavailable or do not agree on the potential impact of this missense change (SIFT: "Tolerated"; PolyPhen-2: "Possibly Damaging"; Align-GVGD: "Class C0"). This variant has not been reported in the literature in individuals affected with NCKAP1L-related conditions. This variant is present in population databases (rs529314666, gnomAD 0.003%). This sequence change replaces serine, which is neutral and polar, with arginine, which is basic and polar, at codon 817 of the NCKAP1L protein (p.Ser817Arg).

NM_005337.5(NCKAP1L):c.2451C>A (p.Ser817Arg)

Gene: NCKAP1L (NCK associated protein 1 like; plus strand). Cytogenetic location: 12q13.2.
Variant type: single nucleotide variant.
Coding change: c.2451C>A on transcript NM_005337.5 (MANE Select); coding-DNA position 2451, C replaced by A.
Protein change: p.Ser817Arg; replaces serine 817 with arginine.
Molecular consequence: missense variant.
Genome position (GRCh38, 1-based): chr12:54,528,322, C>A. VCF-style: chr12-54528322-C-A. GRCh37 (hg19) VCF-style: chr12-54922106-C-A.
Other names: c.2301C>A, p.Ser767Arg (NM_001184976.2); short protein forms S767R, S817R.
Identifiers: ClinVar variation 2131623 (VCV002131623.4), dbSNP rs529314666, ClinGen allele CA6609425.